The following is an entry in ClinVar:

ClinVar aggregate classification (germline): Uncertain significance. Review status: criteria provided, multiple submitters, no conflicts (2 of 4 stars). 3 submissions from 3 submitters: Uncertain significance (3). Last evaluated 2026-04-01.

Conditions:
DST-related disorder. Also called: DST-related disorders; DST-related condition.
Epidermolysis bullosa simplex 3, localized or generalized intermediate, with BP230 deficiency (EBS3). Also called: Epidermolysis bullosa simplex due to BP230 deficiency; Epidermolysis bullosa simplex, autosomal recessive 2. Identifiers: Orphanet 412181, MedGen C3809470, MONDO:0014180, OMIM 615425.
Hereditary sensory and autonomic neuropathy type 6. Also called: HSAN VI; Neuropathy, hereditary sensory and autonomic, type VI. Identifiers: Orphanet 314381, MedGen C3539003, MONDO:0013839, OMIM 614653.

Allele frequency attached by ClinVar (database versions not stated): gnomAD exomes 0.00003; TOPMed 0.00003; gnomAD 0.00004.
gnomAD v4.1: 52 of 1,614,082 alleles (0.0032%); highest among the groups gnomAD compares: Non-Finnish European, 0.0043%; no homozygotes.

Submissions (3):

CeGaT Center for Human Genetics Tuebingen
Classification: Uncertain significance. Last evaluated: 2026-04-01. Review status: criteria provided, single submitter. Criteria: CeGaT Center For Human Genetics Tuebingen Variant Classification Criteria Version 2. Collection method: clinical testing. Allele origin: germline. Affected: yes. Observed: 1 variant allele.
Comment: DST: PM2, BP4

Labcorp Genetics (formerly Invitae), Labcorp
Classification: Uncertain significance for Epidermolysis bullosa simplex 3, localized or generalized intermediate, with BP230 deficiency; Hereditary sensory and autonomic neuropathy type 6. Last evaluated: 2025-12-08. Review status: criteria provided, single submitter. Criteria: Invitae Variant Classification Sherloc (09022015). Collection method: clinical testing. Allele origin: germline.
Comment: This sequence change replaces isoleucine, which is neutral and non-polar, with valine, which is neutral and non-polar, at codon 1222 of the DST protein (p.Ile1222Val). This variant is present in population databases (rs571282019, gnomAD 0.004%). This variant has not been reported in the literature in individuals affected with DST-related conditions. ClinVar contains an entry for this variant (Variation ID: 1017647). An algorithm developed to predict the effect of missense changes on protein structure and function (PolyPhen-2) suggests that this variant is likely to be tolerated. In summary, the available evidence is currently insufficient to determine the role of this variant in disease. Therefore, it has been classified as a Variant of Uncertain Significance.

PreventionGenetics, part of Exact Sciences
Classification: Uncertain significance for DST-related condition. Last evaluated: 2025-10-08. Review status: criteria provided, single submitter. Criteria: ACMG Guidelines, 2015. Collection method: clinical testing. Allele origin: germline.
Comment: The DST c.4830+4160A>G variant is predicted to interfere with splicing. This variant can also be referred to as c.3664A>G (p.Ile1222Val) with the epithelial specific isoform, NM_001723. To our knowledge, this variant has not been reported in the literature. This variant is reported in 0.0062% of alleles in individuals of European (Non-Finnish) descent in gnomAD. At this time, the clinical significance of this variant is uncertain due to the absence of conclusive functional and genetic evidence.

NM_001723.7(DST):c.3664A>G (p.Ile1222Val)

Gene: DST (dystonin; minus strand). Cytogenetic location: 6p12.1.
Variant type: single nucleotide variant.
Coding change: c.3664A>G on transcript NM_001723.7 (MANE Plus Clinical); coding-DNA position 3664, A replaced by G.
Protein change: p.Ile1222Val; replaces isoleucine 1222 with valine.
Molecular consequence: missense variant. On other transcripts: intron variant (10).
Genome position (GRCh38, 1-based): chr6:56,620,370, T>C on the plus strand (A>G on the coding strand, the complement: DST is on the minus strand). VCF-style: chr6-56620370-T-C. GRCh37 (hg19) VCF-style: chr6-56485168-T-C.
Other names: c.4830+4160A>G (NM_001144769.5, NM_001144769.2); c.4929+4160A>G (NM_001374722.1, NM_001374736.1); c.4956+4160A>G (NM_001374734.1); c.4416+4160A>G (NM_001144770.2); c.4296+4160A>G (NM_001374730.1, NM_001386100.1, NM_183380.4 and 1 more transcripts); c.3318+4160A>G (NM_015548.5); short protein forms I1222V.
Identifiers: ClinVar variation 1017647 (VCV001017647.10), dbSNP rs571282019, ClinGen allele CA3870672.